The following is an entry in ClinVar:

NM_014967.5(FAN1):c.93T>G (p.Ile31Met)

Gene: FAN1 (FANCD2 and FANCI associated nuclease 1; plus strand). Cytogenetic location: 15q13.3.
Variant type: single nucleotide variant.
Coding change: c.93T>G on transcript NM_014967.5 (MANE Select); coding-DNA position 93, T replaced by G.
Protein change: p.Ile31Met; replaces isoleucine 31 with methionine.
Molecular consequence: missense variant.
Genome position (GRCh38, 1-based): chr15:30,904,756, T>G. VCF-style: chr15-30904756-T-G. GRCh37 (hg19) VCF-style: chr15-31196959-T-G.
Other names: c.93T>G, p.Ile31Met (NM_001146094.2, NM_001146095.1, NM_001146096.2); short protein forms I31M.
Identifiers: ClinVar variation 191052 (VCV000191052.2), dbSNP rs781134478, ClinGen allele CA235918.

ClinVar aggregate classification (germline): Conflicting classifications of pathogenicity. Review status: criteria provided, conflicting classifications (1 of 4 stars). 2 submissions from 2 submitters: Likely pathogenic (1); Uncertain significance (1). Last evaluated 2020-05-25.

Conditions:
Karyomegalic interstitial nephritis. Identifiers: Orphanet 401996, MedGen C3553774, MONDO:0013898, OMIM 614817.

Allele frequency attached by ClinVar (database versions not stated): gnomAD exomes below 0.00001; TOPMed below 0.00001; ExAC 0.00001.
gnomAD v4.1: 7 of 1,613,094 alleles (0.00043%); highest among the groups gnomAD compares: Middle Eastern, 0.066%; no homozygotes.

Submissions (2):

Victorian Clinical Genetics Services, Murdoch Childrens Research Institute
Classification: Uncertain significance for Karyomegalic interstitial nephritis. Last evaluated: 2020-05-25. Review status: criteria provided, single submitter. Criteria: ACMG Guidelines, 2015. Collection method: clinical testing. Allele origin: germline. Inheritance: Autosomal recessive inheritance.
Comment: Based on the classification scheme VCGS_Germline_v1.1.1, this variant is classified as VUS – 3B. Following criteria are met: 0102 - Loss-of-function is a known mechanism of disease for this gene. (N) 0106 - This gene is known to be associated with autosomal recessive disease. (N) 0200 - Variant is predicted to result in a missense amino acid change from isoleucine to methionine (exon 2). (N) 0251 - Variant is heterozygous. (N) 0304 - Variant is present in gnomAD <0.01 for a recessive condition (1 heterozygotes, 0 homozygotes). (P) 0503 - Missense variant consistently predicted to be tolerated or not conserved in mammals with a minor amino acid change. (B) 0604 - Variant is not located in an established domain, motif, hotspot or informative constraint region. (N) 0705 - No comparable variants have previous evidence for pathogenicity. (N) 0803 - Low previous evidence of pathogenicity, with no additional information provided (ClinVar). (P) 0905 - No segregation evidence has been identified for this variant. (N) 1007 - No published functional evidence has been identified for this variant. (N) 1208 - Inheritance information for this variant is not currently available. (N) Legend: (P) - Pathogenic, (N) - Neutral, (B) - Benign

Genomic Medicine Center of Excellence, King Faisal Specialist Hospital and Research Centre
Classification: Likely pathogenic. Review status: criteria provided, single submitter. Criteria: ACMG Guidelines, 2015. Collection method: research. Allele origin: germline. Affected: yes.